The following is an entry in ClinVar:

NM_032634.4(PIGO):c.2411T>G (p.Met804Arg)

Gene: PIGO (phosphatidylinositol glycan anchor biosynthesis class O; minus strand). Cytogenetic location: 9p13.3.
Variant type: single nucleotide variant.
Coding change: c.2411T>G on transcript NM_032634.4 (MANE Select); coding-DNA position 2411, T replaced by G.
Protein change: p.Met804Arg; replaces methionine 804 with arginine.
Molecular consequence: missense variant. On other transcripts: intron variant (2).
Genome position (GRCh38, 1-based): chr9:35,091,476, A>C on the plus strand (T>G on the coding strand, the complement: PIGO is on the minus strand). VCF-style: chr9-35091476-A-C. GRCh37 (hg19) VCF-style: chr9-35091473-A-C.
Other names: c.1345-185T>G (NM_152850.4, NM_001201484.2); short protein forms M804R.
Identifiers: ClinVar variation 1345090 (VCV001345090.8), dbSNP rs763204004, ClinGen allele CA5040418.
Genomic context (GRCh38, chr9:35,091,476, plus strand): 5'-GCCACAGTCAGGGGACCCTGAGATTTGGTCCTCTCTAACCGGCCCCGGAACTCCTCCTGC[A>C]TGTGTCGGTAGATTTGAGGGACCACATAATCCAAGTCAGCTTGAGAAGTGGGGGGGCCTG-3'
Protein context (NP_116023.2, residues 794-814): DYVVPQIYRH[Met804Arg]QEEFRGRLER

ClinVar aggregate classification (germline): Uncertain significance (1 of 4 stars; one submission).

Conditions:
Hyperphosphatasia with impaired intellectual development syndrome 2. Also called: Hyperphosphatasia with intellectual disability syndrome 2; GLYCOSYLPHOSPHATIDYLINOSITOL BIOSYNTHESIS DEFECT 6. Identifiers: Orphanet 247262, MedGen C3553637, MONDO:0013882, OMIM 614749.

Allele frequency attached by ClinVar (database versions not stated): gnomAD 0.00001; TOPMed below 0.00001; ExAC 0.00001; gnomAD exomes below 0.00001.
gnomAD v4.1: 1 of 1,614,060 alleles (0.000062%); highest among the groups gnomAD compares: African/African-American, 0.0013%; no homozygotes.

Submission:

Labcorp Genetics (formerly Invitae), Labcorp
Classification: Uncertain significance for Hyperphosphatasia with impaired intellectual development syndrome 2. Last evaluated: 2021-05-29. Review status: criteria provided, single submitter. Criteria: Invitae Variant Classification Sherloc (09022015). Collection method: clinical testing. Allele origin: germline.
Comment: In summary, the available evidence is currently insufficient to determine the role of this variant in disease. Therefore, it has been classified as a Variant of Uncertain Significance. Algorithms developed to predict the effect of sequence changes on RNA splicing suggest that this variant may create or strengthen a splice site, but this prediction has not been confirmed by published transcriptional studies. Algorithms developed to predict the effect of missense changes on protein structure and function are either unavailable or do not agree on the potential impact of this missense change (SIFT: "Deleterious"; PolyPhen-2: "Possibly Damaging"; Align-GVGD: "Class C0"). This variant has not been reported in the literature in individuals with PIGO-related conditions. This variant is present in population databases (rs763204004, ExAC 0.01%). This sequence change replaces methionine with arginine at codon 804 of the PIGO protein (p.Met804Arg). The methionine residue is moderately conserved and there is a moderate physicochemical difference between methionine and arginine.